The following is an entry in ClinVar:

ClinVar aggregate classification (germline): Uncertain significance. Review status: criteria provided, multiple submitters, no conflicts (2 of 4 stars). 3 submissions from 3 submitters: Uncertain significance (3). Last evaluated 2025-12-08.

Conditions:
Inborn genetic diseases. Identifiers: MedGen C0950123, MeSH D030342.

Allele frequency attached by ClinVar (database versions not stated): gnomAD exomes below 0.00001 and 0.00001; gnomAD 0.00002; TOPMed 0.00003.
gnomAD v4.1: 8 of 1,208,559 alleles (0.00066%); highest among the groups gnomAD compares: Admixed American, 0.0044%; no homozygotes.

Submissions (4):

Labcorp Genetics (formerly Invitae), Labcorp
Classification: Uncertain significance. Last evaluated: 2025-12-08. Review status: criteria provided, single submitter. Criteria: Invitae Variant Classification Sherloc (09022015). Collection method: clinical testing. Allele origin: germline.
Comment: This sequence change replaces glycine, which is neutral and non-polar, with arginine, which is basic and polar, at codon 46 of the IL1RAPL1 protein (p.Gly46Arg). This variant is present in population databases (no rsID available, gnomAD 0.008%). This variant has not been reported in the literature in individuals affected with IL1RAPL1-related conditions. ClinVar contains an entry for this variant (Variation ID: 432804). An algorithm developed to predict the effect of missense changes on protein structure and function (PolyPhen-2) suggests that this variant is likely to be disruptive. In summary, the available evidence is currently insufficient to determine the role of this variant in disease. Therefore, it has been classified as a Variant of Uncertain Significance.

Ambry Genetics
Classification: Uncertain significance for Inborn genetic diseases. Last evaluated: 2025-08-24. Review status: criteria provided, single submitter. Criteria: Ambry Variant Classification Scheme 2023. Collection method: clinical testing. Allele origin: germline.

GeneDx
Classification: Uncertain significance. Last evaluated: 2018-08-16. Review status: criteria provided, single submitter. Criteria: GeneDx Variant Classification (06012015). Collection method: clinical testing. Allele origin: germline. Affected: yes.
Comment: The c.136 G>A variant in the IL1RAPL1 gene has not been reported previously as a pathogenic variant, nor as a benign variant, to our knowledge. The c.136 G>A variant is not observed in large population cohorts (Lek et al., 2016; 1000 Genomes Consortium et al., 2015; Exome Variant Server). In silico splice prediction models predict that c.136 G>A may create a cryptic splice donor site upstream of the natural splice donor site in intron 3. However, in the absence of RNA/functional studies, the actual effect of c.136 G>A in this individual is unknown. If c.136 G>A does not alter splicing, then it will result in the G46R missense change. The G46R variant is a non-conservative amino acid substitution, which is likely to impact secondary protein structure as these residues differ in polarity, charge, size and/or other properties. This substitution occurs at a position that is conserved across species. In silico analysis predicts this variant is probably damaging to the protein structure/function. We interpret c.136 G>A as a variant of uncertain significance.

Dr. Peter K. Rogan Lab, Western University
No classification provided (evidence only). Condition: Nonpapillary renal cell carcinoma. Review status: no classification provided. Collection method: in vitro. Allele origin: not applicable. Functional consequence: retained intron. Not counted in ClinVar's aggregate classification.

NM_014271.4(IL1RAPL1):c.136G>A (p.Gly46Arg)

Gene: IL1RAPL1 (interleukin 1 receptor accessory protein like 1; plus strand). Cytogenetic location: Xp21.3.
Variant type: single nucleotide variant.
Coding change: c.136G>A on transcript NM_014271.4 (MANE Select); coding-DNA position 136, G replaced by A.
Protein change: p.Gly46Arg; replaces glycine 46 with arginine.
Molecular consequence: missense variant.
Genome position (GRCh38, 1-based): chrX:29,282,991, G>A. VCF-style: chrX-29282991-G-A. GRCh37 (hg19) VCF-style: chrX-29301108-G-A.
Other names: short protein forms G46R.
Identifiers: ClinVar variation 432804 (VCV000432804.7), dbSNP rs868613900, ClinGen allele CA328232579.